The following is an entry in ClinVar:

ClinVar aggregate classification (germline): Uncertain significance. Review status: criteria provided, multiple submitters, no conflicts (2 of 4 stars). 2 submissions from 2 submitters: Uncertain significance (2). Last evaluated 2023-07-21.

Conditions:
Bethlem myopathy 1A. Also called: MYOPATHY, BENIGN CONGENITAL, WITH CONTRACTURES; Bethlem myopathy 1; Bethlem Muscular Dystrophy. Identifiers: Orphanet 610, MedGen CN029274, MONDO:0024530, OMIM 158810.

Allele frequency attached by ClinVar (database versions not stated): TOPMed 0.00006.
gnomAD v4.1: 9 of 1,612,866 alleles (0.00056%); highest among the groups gnomAD compares: African/African-American, 0.004%; no homozygotes.

Submissions (2):

Labcorp Genetics (formerly Invitae), Labcorp
Classification: Uncertain significance for Bethlem myopathy 1A. Last evaluated: 2023-07-21. Review status: criteria provided, single submitter. Criteria: Invitae Variant Classification Sherloc (09022015). Collection method: clinical testing. Allele origin: germline.
Comment: This sequence change replaces glutamic acid, which is acidic and polar, with aspartic acid, which is acidic and polar, at codon 365 of the COL6A2 protein (p.Glu365Asp). The frequency data for this variant in the population databases is considered unreliable, as metrics indicate poor data quality at this position in the gnomAD database. This variant has not been reported in the literature in individuals affected with COL6A2-related conditions. ClinVar contains an entry for this variant (Variation ID: 542963). Advanced modeling of protein sequence and biophysical properties (such as structural, functional, and spatial information, amino acid conservation, physicochemical variation, residue mobility, and thermodynamic stability) performed at Invitae indicates that this missense variant is not expected to disrupt COL6A2 protein function. In summary, the available evidence is currently insufficient to determine the role of this variant in disease. Therefore, it has been classified as a Variant of Uncertain Significance.

Blueprint Genetics
Classification: Uncertain significance. Last evaluated: 2021-03-08. Review status: criteria provided, single submitter. Criteria: ACMG Guidelines, 2015. Collection method: clinical testing. Allele origin: germline.

NM_001849.4(COL6A2):c.1095G>T (p.Glu365Asp)

Gene: COL6A2 (collagen type VI alpha 2 chain; plus strand). Cytogenetic location: 21q22.3.
Variant type: single nucleotide variant.
Coding change: c.1095G>T on transcript NM_001849.4 (MANE Select); coding-DNA position 1095, G replaced by T.
Protein change: p.Glu365Asp; replaces glutamic acid 365 with aspartic acid.
Molecular consequence: missense variant.
Genome position (GRCh38, 1-based): chr21:46,117,915, G>T. VCF-style: chr21-46117915-G-T. GRCh37 (hg19) VCF-style: chr21-47537829-G-T.
Other names: c.1095G>T, p.Glu365Asp (NM_058174.3, NM_058175.3); short protein forms E365D.
Identifiers: ClinVar variation 542963 (VCV000542963.10), dbSNP rs374673302, ClinGen allele CA10071684.